The following is an entry in ClinVar:

NM_000059.4(BRCA2):c.7008-594T>C

Gene: BRCA2 (BRCA2 DNA repair associated; plus strand). Cytogenetic location: 13q13.1.
Variant type: single nucleotide variant.
Coding change: c.7008-594T>C on transcript NM_000059.4 (MANE Select); 594 bases into the intron before coding-DNA position 7008, T replaced by C.
Molecular consequence: intron variant.
Genome position (GRCh38, 1-based): chr13:32,354,267, T>C. VCF-style: chr13-32354267-T-C. GRCh37 (hg19) VCF-style: chr13-32928404-T-C.
Other names: IVS 13-594T>C.
Identifiers: ClinVar variation 209754 (VCV000209754.1), dbSNP rs1460817, ClinGen allele CA276722.

ClinVar aggregate classification (germline): Benign (3 of 4 stars; one submission).

Conditions:
Breast-ovarian cancer, familial, susceptibility to, 2 (BROVCA2). Also called: BRCA2 Hereditary Breast and Ovarian Cancer. Identifiers: Orphanet 145, MedGen C2675520, MONDO:0012933, OMIM 612555. Disease mechanism: loss of function.

Allele frequency attached by ClinVar (database versions not stated): 1000 Genomes Project 0.20827; 1000 Genomes Project 30x 0.21081; TOPMed 0.25328; gnomAD 0.25772 and 0.26380.
gnomAD v4.1: 39,055 of 151,730 alleles (26%); highest among the groups gnomAD compares: Non-Finnish European, 27%; 5,220 homozygotes.

Submission:

Evidence-based Network for the Interpretation of Germline Mutant Alleles (ENIGMA)
Classification: Benign for Breast-ovarian cancer, familial 2. Last evaluated: 2015-01-12. Review status: reviewed by expert panel. Criteria: ENIGMA BRCA1/2 Classification Criteria (2015). Collection method: curation. Allele origin: germline.
Comment: Class 1 not pathogenic based on frequency >1% in an outbred sampleset. Frequency 0.06294 (Asian), 0.3232 (African), 0.2836 (European), derived from 1000 genomes (2012-04-30).